The following is an entry in ClinVar:

ClinVar aggregate classification (germline): Uncertain significance (1 of 4 stars; one submission).

Submission:

GeneDx
Classification: Uncertain significance. Last evaluated: 2025-04-04. Review status: criteria provided, single submitter. Criteria: GeneDx Variant Classification Process June 2021. Collection method: clinical testing. Allele origin: germline. Affected: yes.
Comment: Not observed at significant frequency in large population cohorts (gnomAD); In silico analysis supports that this missense variant has a deleterious effect on protein structure/function; Has not been previously published as pathogenic or benign to our knowledge

NM_001018113.3(FANCB):c.460T>C (p.Ser154Pro)

Gene: FANCB (FA complementation group B; minus strand). Cytogenetic location: Xp22.2.
Variant type: single nucleotide variant.
Coding change: c.460T>C on transcript NM_001018113.3 (MANE Select); coding-DNA position 460, T replaced by C.
Protein change: p.Ser154Pro; replaces serine 154 with proline.
Molecular consequence: missense variant.
Genome position (GRCh38, 1-based): chrX:14,865,051, A>G on the plus strand (T>C on the coding strand, the complement: FANCB is on the minus strand). VCF-style: chrX-14865051-A-G. GRCh37 (hg19) VCF-style: chrX-14883173-A-G.
Other names: c.460T>C, p.Ser154Pro (NM_001324162.2, NM_001410764.1, NM_152633.4); short protein forms S154P.
Identifiers: ClinVar variation 4278549 (VCV004278549.1).